The following is an entry in ClinVar:

NM_006915.3(RP2):c.300_301del (p.Phe102fs)

Gene: RP2 (RP2 activator of ARL3 GTPase; plus strand). Cytogenetic location: Xp11.3.
Variant type: Microsatellite.
Coding change: c.300_301del on transcript NM_006915.3 (MANE Select); coding-DNA positions 300 to 301, 2 bases deleted (GT; older notation c.300_301delGT).
Protein change: p.Phe102fs; shifts the reading frame from phenylalanine 102.
Molecular consequence: frameshift variant.
Genome position (GRCh38, 1-based): chrX:46,853,673-46,853,674, GT deleted; deleting any 2 consecutive bases within chrX:46,853,671-46,853,674 gives the same sequence; the c. name uses the placement nearest the transcript's 3' end. VCF-style (leftmost placement, unchanged base first): chrX-46853670-CGT-C. GRCh37 (hg19) VCF-style: chrX-46713105-CGT-C.
Other names: short protein forms F102fs.
Identifiers: ClinVar variation 2840219 (VCV002840219.4), dbSNP rs2519914122, ClinGen allele CA2739273471.

ClinVar aggregate classification (germline): Pathogenic. Review status: criteria provided, multiple submitters, no conflicts (2 of 4 stars). 2 submissions from 2 submitters: Pathogenic (2). Last evaluated 2023-02-23.

Conditions:
RP2-related disorder. Also called: RP2-related condition.

Submissions (2):

Labcorp Genetics (formerly Invitae), Labcorp
Classification: Pathogenic. Last evaluated: 2023-02-23. Review status: criteria provided, single submitter. Criteria: Invitae Variant Classification Sherloc (09022015). Collection method: clinical testing. Allele origin: germline.
Comment: This variant is not present in population databases (gnomAD no frequency). This sequence change creates a premature translational stop signal (p.Phe102Profs*21) in the RP2 gene. It is expected to result in an absent or disrupted protein product. Loss-of-function variants in RP2 are known to be pathogenic (PMID: 11992260, 20625056). This variant has not been reported in the literature in individuals affected with RP2-related conditions. For these reasons, this variant has been classified as Pathogenic.

Blueprint Genetics
Classification: Pathogenic for RP2-related disorders. Last evaluated: 2021-10-20. Review status: criteria provided, single submitter. Criteria: ACMG Guidelines, 2015. Collection method: clinical testing. Allele origin: germline. Affected: yes. Observed: 3 variant alleles.

Literature cited by the submitters: PubMed 11992260 (cited by Labcorp Genetics (formerly Invitae), Labcorp); PubMed 20625056 (cited by Labcorp Genetics (formerly Invitae), Labcorp).